The following is an entry in ClinVar:

ClinVar aggregate classification (germline): Pathogenic/Likely pathogenic. Review status: criteria provided, multiple submitters, no conflicts (2 of 4 stars). 11 submissions from 11 submitters: Pathogenic (3); Likely pathogenic (7). 1 of the submissions does not count toward it. Last evaluated 2025-09-23.

Conditions:
Abnormality of metabolism/homeostasis. Identifiers: MedGen C4021768, HP:0001939.
BCKDHB-related disorder. Also called: BCKDHB-related condition.
Maple syrup urine disease type 1A (MSUD1A). Also called: MSUD type 1A. Identifiers: MedGen C1855369, MONDO:0023691, OMIM 248600.
Maple syrup urine disease type 1B (MSUD1B). Also called: MSUD type IB; MSUD type 3 (formerly); MSUD due to deficiency of e1-beta subunit of branched-chain alpha-keto acid dehydrogenase complex. Identifiers: MedGen C2930990, MONDO:0023692, OMIM 620698.
Maple syrup urine disease (MSUD). Identifiers: Orphanet 511, MedGen C0024776, MeSH D008375, MONDO:0009563. Disease mechanism: loss of function.

Allele frequency attached by ClinVar (database versions not stated): gnomAD exomes 0.00001 and below 0.00001; ExAC 0.00001.
gnomAD v4.1: 7 of 1,612,672 alleles (0.00043%); highest among the groups gnomAD compares: Non-Finnish European, 0.00059%; no homozygotes.

Submissions (11):

Myriad Genetics, Inc.
Classification: Likely pathogenic for Maple syrup urine disease type 1B. Last evaluated: 2025-09-23. Review status: criteria provided, single submitter. Criteria: Myriad Autosomal Dominant, Autosomal Recessive and X-Linked Classification Criteria (2023). Collection method: clinical testing. Allele origin: unknown.
Comment: NM_183050.2(BCKDHB):c.403G>A(G135R) is a missense variant classified as likely pathogenic in the context of maple syrup urine disease type Ib. G135R has been observed in cases with relevant disease (PMID: 14517957, 16786533, 24772966, 33996492, 39456016, 38957900). Relevant functional assessments of this variant are not available in the literature. G135R has been observed in referenced population frequency databases. In summary, NM_183050.2(BCKDHB):c.403G>A(G135R) is a missense variant that has been observed more frequently in cases with the relevant disease than in healthy populations. Please note: this variant was assessed in the context of healthy population screening.

Natera, Inc.
Classification: Likely pathogenic for Maple syrup urine disease type 1B. Last evaluated: 2024-06-16. Review status: criteria provided, single submitter. Criteria: Natera Variant Classification Schema (03/2026). Collection method: clinical testing. Allele origin: germline.
Comment: The c.403G>A variant in BCKDHB is a missense variant predicted to cause substitution of glycine to arginine at amino acid 135. This variant is rare in the general population with a frequency below the threshold expected for the associated phenotype(s). This variant has been observed in one or more individuals affected with the associated recessive disease, as either homozygous or compound heterozygous with a second variant (PMID: 16786533, 28612395, 24772966, 14517957). Computational prediction algorithms indicate this variant is likely to affect gene or protein function. Given the available evidence, this variant is classified as Likely Pathogenic.

Fulgent Genetics
Classification: Likely pathogenic for Maple syrup urine disease type 1B. Last evaluated: 2024-05-14. Review status: criteria provided, single submitter. Criteria: ACMG Guidelines, 2015. Collection method: clinical testing. Allele origin: germline.

Women's Health and Genetics/Laboratory Corporation of America, LabCorp
Classification: Likely pathogenic for Maple syrup urine disease type 1B. Last evaluated: 2023-04-12. Review status: criteria provided, single submitter. Criteria: LabCorp Variant Classification Summary - May 2015. Collection method: clinical testing. Allele origin: germline.
Comment: Variant summary: BCKDHB c.403G>A (p.Gly135Arg) results in a non-conservative amino acid change located in the Transketolase-like, pyrimidine-binding domain (IPR005475) of the encoded protein sequence. Five of five in-silico tools predict a damaging effect of the variant on protein function. The variant allele was found at a frequency of 4e-06 in 251200 control chromosomes (gnomAD). c.403G>A has been reported in the literature in individuals affected with Maple Syrup Urine Disease Type 1B (Henneke_2003, Rodriguez-Pombo_2006, Narayanan_2013). These data indicate that the variant is likely to be associated with disease. Two studies have measured the BCKD enzyme activity in patients with the variant and found it to be <5% of the normal levels (Henneke_2003; Rodriguez-Pombo_2006). Six clinical diagnostic laboratories have submitted clinical-significance assessments for this variant to ClinVar after 2014 and classified it as pathogenic/likely pathogenic. Based on the evidence outlined above, the variant was classified as likely pathogenic.

Labcorp Genetics (formerly Invitae), Labcorp
Classification: Pathogenic for Maple syrup urine disease. Last evaluated: 2023-04-06. Review status: criteria provided, single submitter. Criteria: Invitae Variant Classification Sherloc (09022015). Collection method: clinical testing. Allele origin: germline.
Comment: ClinVar contains an entry for this variant (Variation ID: 496569). For these reasons, this variant has been classified as Pathogenic. Advanced modeling of protein sequence and biophysical properties (such as structural, functional, and spatial information, amino acid conservation, physicochemical variation, residue mobility, and thermodynamic stability) performed at Invitae indicates that this missense variant is expected to disrupt BCKDHB protein function. This missense change has been observed in individual(s) with maple syrup urine disease (PMID: 14517957, 16786533, 24772966). This variant is present in population databases (rs751953459, gnomAD 0.0009%). This sequence change replaces glycine, which is neutral and non-polar, with arginine, which is basic and polar, at codon 135 of the BCKDHB protein (p.Gly135Arg).

GeneDx
Classification: Likely pathogenic. Last evaluated: 2022-10-10. Review status: criteria provided, single submitter. Criteria: GeneDx Variant Classification Process June 2021. Collection method: clinical testing. Allele origin: germline. Affected: yes.
Comment: Not observed at significant frequency in large population cohorts (gnomAD); In silico analysis supports that this missense variant has a deleterious effect on protein structure/function; This variant is associated with the following publications: (PMID: 24772966, 16786533, 33996492, 28612395, 14517957)

Genome-Nilou Lab
Classification: Likely pathogenic for Maple syrup urine disease type 1A. Last evaluated: 2021-11-07. Review status: criteria provided, single submitter. Criteria: ACMG Guidelines, 2015. Collection method: clinical testing. Allele origin: germline. Affected: no.

Kariminejad - Najmabadi Pathology & Genetics Center
Classification: Pathogenic for Abnormality of metabolism/homeostasis. Last evaluated: 2021-07-10. Review status: criteria provided, single submitter. Criteria: ACMG Guidelines, 2015. Collection method: clinical testing. Allele origin: germline.

Eurofins Ntd Llc (ga)
Classification: Pathogenic. Last evaluated: 2018-03-21. Review status: criteria provided, single submitter. Criteria: EGL ClinVar v180209 classification definitions. Collection method: clinical testing. Allele origin: germline. Observed: 1 variant allele, 1 heterozygote.

Juno Genomics, Hangzhou Juno Genomics, Inc
Classification: Likely pathogenic for Maple syrup urine disease type 1A. Review status: criteria provided, single submitter. Criteria: ACMG Guidelines, 2015. Collection method: clinical testing. Allele origin: germline.
Comment: Absent from controls (or at extremely low frequency if recessive) in Genome Aggregation Database.;Multiple lines of computational evidence support a deleterious effect on the gene or gene product.;Patient's phenotype or family history is highly specific for a disease with a single genetic etiology.

PreventionGenetics, part of Exact Sciences
Classification: Likely pathogenic for BCKDHB-related condition. Last evaluated: 2024-07-17. Review status: no assertion criteria provided. Collection method: clinical testing. Allele origin: germline. Not counted in ClinVar's aggregate classification.
Comment: The BCKDHB c.403G>A variant is predicted to result in the amino acid substitution p.Gly135Arg. This variant was reported in the compound heterozygous state in two individuals with maple syrup urine disease (Henneke et al. 2003. PubMed ID: 14517957; Narayanan et al. 2013. PubMed ID: 24772966). Biochemical studies suggest this variant impacts protein activity (Henneke et al. 2003. PubMed ID: 14517957). This variant is reported in 0.00088% of alleles in individuals of European (non-Finnish) descent in gnomAD. This variant is interpreted as likely pathogenic.

Literature cited by the submitters: PubMed 14517957 (cited by 4 submitters); PubMed 16786533 (cited by 4 submitters); PubMed 24772966 (cited by 4 submitters); PubMed 33996492 (cited by Myriad Genetics, Inc.); PubMed 38957900 (cited by Myriad Genetics, Inc.); PubMed 39456016 (cited by Myriad Genetics, Inc.); PubMed 28612395 (cited by Natera, Inc.).

NM_183050.4(BCKDHB):c.403G>A (p.Gly135Arg)

Gene: BCKDHB (branched chain keto acid dehydrogenase E1 subunit beta; plus strand). Cytogenetic location: 6q14.1.
Variant type: single nucleotide variant.
Coding change: c.403G>A on transcript NM_183050.4 (MANE Select); coding-DNA position 403, G replaced by A.
Protein change: p.Gly135Arg; replaces glycine 135 with arginine.
Molecular consequence: missense variant. On other transcripts: non-coding transcript variant (1).
Genome position (GRCh38, 1-based): chr6:80,167,737, G>A. VCF-style: chr6-80167737-G-A. GRCh37 (hg19) VCF-style: chr6-80877454-G-A.
Other names: c.403G>A (NM_183050.3); c.193G>A, p.Gly65Arg (NM_001318975.1); c.403G>A, p.Gly135Arg (NM_000056.5); short protein forms G135R, G65R.
Identifiers: ClinVar variation 496569 (VCV000496569.44), dbSNP rs751953459, ClinGen allele CA3902600.
Genomic context (GRCh38, chr6:80,167,737, plus strand): 5'-GGAAAAGATAGAGTTTTTAATACCCCATTGTGTGAACAAGGAATTGTTGGATTTGGAATC[G>A]GAATTGCGGTCACTGGAGCTACTGCCATTGCGGAAATTCAGTTTGCAGATTATATTTTCC-3'
Protein context (NP_898871.1, residues 125-145): CEQGIVGFGI[Gly135Arg]IAVTGATAIA